The following is an entry in ClinVar:

ClinVar aggregate classification (germline): Uncertain significance (1 of 4 stars; one submission).

Conditions:
Congenital disorder of glycosylation type Ir (CDG1R). Also called: DDOST-congenital disorder of glycosylation. Identifiers: Orphanet 300536, MedGen C3281084, MONDO:0013789, OMIM 614507.

Submission:

Labcorp Genetics (formerly Invitae), Labcorp
Classification: Uncertain significance for Congenital disorder of glycosylation type Ir. Last evaluated: 2025-08-31. Review status: criteria provided, single submitter. Criteria: Invitae Variant Classification Sherloc (09022015). Collection method: clinical testing. Allele origin: germline.
Comment: This sequence change replaces tyrosine, which is neutral and polar, with cysteine, which is neutral and slightly polar, at codon 3 of the DDOST protein (p.Tyr3Cys). This variant is not present in population databases (gnomAD no frequency). This variant has not been reported in the literature in individuals affected with DDOST-related conditions. An algorithm developed to predict the effect of missense changes on protein structure and function (PolyPhen-2) suggests that this variant is likely to be tolerated. In summary, the available evidence is currently insufficient to determine the role of this variant in disease. Therefore, it has been classified as a Variant of Uncertain Significance.

NC_000001.11:g.20661394T>C

Gene: DDOST (dolichyl-diphosphooligosaccharide--protein glycosyltransferase non-catalytic subunit; minus strand). Cytogenetic location: 1p36.12.
Variant type: single nucleotide variant.
Genome position: GRCh38 VCF-style: chr1-20661394-T-C. GRCh37 (hg19) VCF-style: chr1-20987887-T-C.
Identifiers: ClinVar variation 4805333 (VCV004805333.1).